The following is an entry in ClinVar:

NM_057175.5(NAA15):c.2239C>G (p.Pro747Ala)

Gene: NAA15 (N-alpha-acetyltransferase 15, NatA auxiliary subunit; plus strand). Cytogenetic location: 4q31.1.
Variant type: single nucleotide variant.
Coding change: c.2239C>G on transcript NM_057175.5 (MANE Select); coding-DNA position 2239, C replaced by G.
Protein change: p.Pro747Ala; replaces proline 747 with alanine.
Molecular consequence: missense variant.
Genome position (GRCh38, 1-based): chr4:139,384,915, C>G. VCF-style: chr4-139384915-C-G. GRCh37 (hg19) VCF-style: chr4-140306069-C-G.
Other names: c.2236C>G, p.Pro746Ala (NM_001410842.1); short protein forms P746A, P747A.
Identifiers: ClinVar variation 4083007 (VCV004083007.1).
Genomic context (GRCh38, chr4:139,384,915, plus strand): 5'-TCTGATACAGTTAGAACAGTATTAAAACAAGAAATGAATCGTCTTTTTGGAGCAACGAAT[C>G]CAAAGAATTTTAATGAAACTTTTCTGAAAAGGAATTCTGATTCATTGCCACACAGATTAT-3'
Protein context (NP_476516.1, residues 737-757): EMNRLFGATN[Pro747Ala]KNFNETFLKR

ClinVar aggregate classification (germline): Uncertain significance (1 of 4 stars; one submission).

Submission:

GeneDx
Classification: Uncertain significance. Last evaluated: 2025-03-14. Review status: criteria provided, single submitter. Criteria: GeneDx Variant Classification Process June 2021. Collection method: clinical testing. Allele origin: germline. Affected: yes.
Comment: Not observed at significant frequency in large population cohorts (gnomAD); In silico analysis indicates that this missense variant does not alter protein structure/function; Has not been previously published as pathogenic or benign to our knowledge